The following is an entry in ClinVar:

NM_013275.6(ANKRD11):c.3019C>T (p.Arg1007Ter)

Gene: ANKRD11 (ankyrin repeat domain 11; minus strand). Cytogenetic location: 16q24.3.
Variant type: single nucleotide variant.
Coding change: c.3019C>T on transcript NM_013275.6 (MANE Select); coding-DNA position 3019, C replaced by T.
Protein change: p.Arg1007Ter; replaces arginine 1007 with a stop codon.
Molecular consequence: nonsense.
Genome position (GRCh38, 1-based): chr16:89,283,523, G>A on the plus strand (C>T on the coding strand, the complement: ANKRD11 is on the minus strand). VCF-style: chr16-89283523-G-A. GRCh37 (hg19) VCF-style: chr16-89349931-G-A.
Other names: c.3019C>T, p.Arg1007Ter (NM_001256182.2, NM_001256183.2); c.3019C>T (NM_013275.5); short protein forms R1007*.
Identifiers: ClinVar variation 870865 (VCV000870865.51), dbSNP rs752918694, ClinGen allele CA397160785.

ClinVar aggregate classification (germline): Pathogenic/Likely pathogenic. Review status: criteria provided, multiple submitters, no conflicts (2 of 4 stars). 6 submissions from 6 submitters: Pathogenic (5); Likely pathogenic (1). Last evaluated 2025-03-23.

Conditions:
KBG syndrome (KBGS). Also called: ANKRD11-Related KBG Syndrome. Identifiers: Orphanet 2332, MedGen C0220687, MONDO:0007846, OMIM 148050.
Inborn genetic diseases. Identifiers: MedGen C0950123, MeSH D030342.
Developmental disorder. Identifiers: MedGen C0008073.

Submissions (6):

Labcorp Genetics (formerly Invitae), Labcorp
Classification: Pathogenic for KBG syndrome. Last evaluated: 2025-03-23. Review status: criteria provided, single submitter. Criteria: Invitae Variant Classification Sherloc (09022015). Collection method: clinical testing. Allele origin: germline.
Comment: This sequence change creates a premature translational stop signal (p.Arg1007*) in the ANKRD11 gene. It is expected to result in an absent or disrupted protein product. Loss-of-function variants in ANKRD11 are known to be pathogenic (PMID: 21782149, 25125236, 25413698, 25652421). This variant is not present in population databases (gnomAD no frequency). This premature translational stop signal has been observed in individual(s) with KBG syndrome (PMID: 32124548). In at least one individual the variant was observed to be de novo. ClinVar contains an entry for this variant (Variation ID: 870865). For these reasons, this variant has been classified as Pathogenic.

GeneDx
Classification: Pathogenic. Last evaluated: 2024-02-05. Review status: criteria provided, single submitter. Criteria: GeneDx Variant Classification Process June 2021. Collection method: clinical testing. Allele origin: germline.
Comment: Nonsense variant predicted to result in protein truncation or nonsense mediated decay in a gene for which loss of function is a known mechanism of disease; Not observed at significant frequency in large population cohorts (gnomAD); This variant is associated with the following publications: (PMID: 32124548, 34971082, 31703437, 36066546)

Department of Genetics, Rouen University Hospital, Normandy Center for Genomic and Personalized Medicine
Classification: Pathogenic for Developmental disorder. Last evaluated: 2020-08-17. Review status: criteria provided, single submitter. Criteria: ACMG Guidelines, 2015. Collection method: clinical testing. Allele origin: unknown. Affected: yes.

CeGaT Center for Human Genetics Tuebingen
Classification: Pathogenic. Last evaluated: 2019-07-01. Review status: criteria provided, single submitter. Criteria: CeGaT Center For Human Genetics Tuebingen Variant Classification Criteria Version 2. Collection method: clinical testing. Allele origin: germline. Affected: yes. Observed: 1 variant allele.

Centre for Mendelian Genomics, University Medical Centre Ljubljana
Classification: Likely pathogenic for KBG syndrome. Last evaluated: 2018-11-30. Review status: criteria provided, single submitter. Criteria: ACMG Guidelines, 2015. Collection method: clinical testing. Allele origin: unknown. Affected: yes.
Comment: This variant was classified as: Likely pathogenic. The following ACMG criteria were applied in classifying this variant: PVS1,PM2.

Ambry Genetics
Classification: Pathogenic for Inborn genetic diseases. Last evaluated: 2018-11-26. Review status: criteria provided, single submitter. Criteria: Ambry exome assertion method (8-5-2015). Collection method: clinical testing. Allele origin: germline. Affected: yes. Observed: 1 variant allele.

Literature cited by the submitters: PubMed 21782149 (cited by Labcorp Genetics (formerly Invitae), Labcorp); PubMed 25125236 (cited by Labcorp Genetics (formerly Invitae), Labcorp); PubMed 25413698 (cited by Labcorp Genetics (formerly Invitae), Labcorp); PubMed 25652421 (cited by Labcorp Genetics (formerly Invitae), Labcorp); PubMed 32124548 (cited by Labcorp Genetics (formerly Invitae), Labcorp).